The following is an entry in ClinVar:

NM_152515.5(CKAP2L):c.1004_1029dup (p.Tyr344fs)

Gene: CKAP2L (cytoskeleton associated protein 2 like; minus strand). Cytogenetic location: 2q14.1.
Variant type: Duplication.
Coding change: c.1004_1029dup on transcript NM_152515.5 (MANE Select); coding-DNA positions 1004 to 1029, 26 bases duplicated (CATACCCCAGTTTGCTTCAGGGTGAA).
Protein change: p.Tyr344fs; shifts the reading frame from tyrosine 344.
Molecular consequence: frameshift variant.
Genome position (GRCh38, 1-based): chr2:112,756,342-112,756,367, TTCACCCTGAAGCAAACTGGGGTATG duplicated on the plus strand (CATACCCCAGTTTGCTTCAGGGTGAA on the coding strand, the reverse complement: CKAP2L is on the minus strand); duplicating any 26 consecutive bases within chr2:112,756,342-112,756,370 gives the same sequence; the c. name uses the placement nearest the transcript's 3' end. VCF-style (leftmost placement, unchanged base first): chr2-112756341-A-ATTCACCCTGAAGCAAACTGGGGTATG. GRCh37 (hg19) VCF-style: chr2-113513918-A-ATTCACCCTGAAGCAAACTGGGGTATG.
Other names: c.509_534dup, p.Tyr179fs (NM_001304361.2); short protein forms Y179fs, Y344fs.
Identifiers: ClinVar variation 2572498 (VCV002572498.1), dbSNP rs2467067801, ClinGen allele CA2580612955.

ClinVar aggregate classification (germline): Pathogenic (1 of 4 stars; one submission).

Conditions:
Filippi syndrome (FLPIS). Identifiers: Orphanet 3255, MedGen C0795940, MONDO:0010092, OMIM 272440.

Submission:

3billion
Classification: Pathogenic for Filippi syndrome. Review status: criteria provided, single submitter. Criteria: ACMG Guidelines, 2015. Collection method: clinical testing. Allele origin: unknown. Affected: yes. Observed: 1 homozygote.
Comment: The variant is not observed in the gnomAD v2.1.1 dataset. The variant is predicted to result in a loss or disruption of normal protein function through nonsense-mediated decay (NMD) or protein truncation. Multiple pathogenic variants are reported downstream of the variant. The variant has been reported to be associated with CKAP2L related disorder (3billion dataset). Therefore, this variant is classified as Pathogenic according to the recommendation of ACMG/AMP guideline.